The following is an entry in ClinVar:

ClinVar aggregate classification (germline): Uncertain significance (1 of 4 stars; one submission).

Submission:

Labcorp Genetics (formerly Invitae), Labcorp
Classification: Uncertain significance. Last evaluated: 2024-10-13. Review status: criteria provided, single submitter. Criteria: Invitae Variant Classification Sherloc (09022015). Collection method: clinical testing. Allele origin: germline.
Comment: This sequence change replaces glycine, which is neutral and non-polar, with arginine, which is basic and polar, at codon 359 of the A2ML1 protein (p.Gly359Arg). This variant is not present in population databases (gnomAD no frequency). This variant has not been reported in the literature in individuals affected with A2ML1-related conditions. An algorithm developed to predict the effect of missense changes on protein structure and function (PolyPhen-2) suggests that this variant is likely to be disruptive. In summary, the available evidence is currently insufficient to determine the role of this variant in disease. Therefore, it has been classified as a Variant of Uncertain Significance.

NM_144670.6(A2ML1):c.1075G>C (p.Gly359Arg)

Gene: A2ML1 (alpha-2-macroglobulin like 1; plus strand). Cytogenetic location: 12p13.31.
Variant type: single nucleotide variant.
Coding change: c.1075G>C on transcript NM_144670.6 (MANE Select); coding-DNA position 1075, G replaced by C.
Protein change: p.Gly359Arg; replaces glycine 359 with arginine.
Molecular consequence: missense variant.
Genome position (GRCh38, 1-based): chr12:8,839,217, G>C. VCF-style: chr12-8839217-G-C. GRCh37 (hg19) VCF-style: chr12-8991813-G-C.
Other names: short protein forms G359R.
Identifiers: ClinVar variation 3722845 (VCV003722845.2).